The following is an entry in ClinVar:

NM_001492.6(GDF1):c.537del (p.Pro180fs)

Genes: CERS1 (ceramide synthase 1; minus strand), GDF1 (growth differentiation factor 1; minus strand). Cytogenetic location: 19p13.11.
Variant type: Deletion.
Coding change: c.537del on transcript NM_001492.6 (MANE Select); coding-DNA position 537, one base deleted (G; older notation c.537delG).
Protein change: p.Pro180fs; shifts the reading frame from proline 180.
Molecular consequence: frameshift variant. On other transcripts: 3 prime UTR variant (2).
Genome position (GRCh38, 1-based): chr19:18,869,179, C deleted on the plus strand (G on the coding strand, the reverse complement: GDF1 is on the minus strand); the first of 3 consecutive C bases (chr19:18,869,179-18,869,181); deleting any one gives the same sequence. VCF-style (leftmost placement, unchanged base first): chr19-18869178-GC-G. GRCh37 (hg19) VCF-style: chr19-18979987-GC-G.
Other names: c.*1398del (NM_001387440.1); c.*806del (NM_021267.5); c.537del, p.Pro180fs (NM_001387438.1); short protein forms P180fs.
Identifiers: ClinVar variation 2576542 (VCV002576542.2), dbSNP rs2512954067, ClinGen allele CA2580613098.

ClinVar aggregate classification (germline): Uncertain significance (1 of 4 stars; one submission).

Conditions:
Congenital heart defects, multiple types, 6 (CHTD6). Identifiers: Orphanet 860, MedGen C3151221, MONDO:0013463, OMIM 613854.

Submission:

Institute of Human Genetics, University of Leipzig Medical Center
Classification: Uncertain significance for Congenital heart defects, multiple types, 6. Last evaluated: 2023-07-17. Review status: criteria provided, single submitter. Criteria: ACMG Guidelines, 2015. Collection method: clinical testing. Allele origin: unknown. Inheritance: Autosomal dominant inheritance. Affected: yes.
Comment: Criteria applied: PVS1_STR,PM2_SUP